The following is an entry in ClinVar:

ClinVar aggregate classification (germline): Likely pathogenic (1 of 4 stars; one submission).

Conditions:
Ellis-van Creveld syndrome (EVC). Also called: EVC-Related Ellis-van Creveld Syndrome; EVC2-Related Ellis-van Creveld Syndrome; MESOECTODERMAL DYSPLASIA; Chondroectodermal dysplasia. Identifiers: Orphanet 289, MedGen C0013903, MONDO:0009162, OMIM 225500.

Submission:

Myriad Genetics, Inc.
Classification: Likely pathogenic for Ellis-van Creveld syndrome. Last evaluated: 2022-05-22. Review status: criteria provided, single submitter. Criteria: Myriad Women's Health Autosomal Recessive and X-Linked Classification Criteria (2021). Collection method: clinical testing. Allele origin: unknown.
Comment: NM_153717.2(EVC):c.1148_1152del5(E383Afs*26) is expected to be pathogenic in the context of EVC-related Ellis-van Creveld syndrome. This variant is predicted to lead to an abnormal or absent protein product due to the creation of a premature termination codon in EVC, a gene where loss-of-function variants are known to be pathogenic. Please note: this variant was assessed in the context of healthy population screening.

NM_153717.3(EVC):c.1148_1152del (p.Glu383fs)

Gene: EVC (EvC ciliary complex subunit 1; plus strand). Cytogenetic location: 4p16.2.
Variant type: Deletion.
Coding change: c.1148_1152del on transcript NM_153717.3 (MANE Select); coding-DNA positions 1148 to 1152, 5 bases deleted (AGTTT; older notation c.1148_1152delAGTTT).
Protein change: p.Glu383fs; shifts the reading frame from glutamic acid 383.
Molecular consequence: frameshift variant.
Genome position (GRCh38, 1-based): chr4:5,752,885-5,752,889, AGTTT deleted. VCF-style (leftmost placement, unchanged base first): chr4-5752884-GAGTTT-G. GRCh37 (hg19) VCF-style: chr4-5754611-GAGTTT-G.
Other names: c.1148_1152del, p.Glu383fs (NM_001306090.2, NM_001306092.2); short protein forms E383fs.
Identifiers: ClinVar variation 1726203 (VCV001726203.2), dbSNP rs2475380993, ClinGen allele CA2580070821.